The following is an entry in ClinVar:

ClinVar aggregate classification (germline): Likely pathogenic (1 of 4 stars; one submission).

Conditions:
Autosomal recessive polycystic kidney disease (ARPKD). Also called: AR polycystic kidney disease. Identifiers: Orphanet 731, Orphanet 8378, MedGen C0085548, MeSH D017044, MONDO:0009889.

Submission:

Natera, Inc.
Classification: Likely pathogenic for Autosomal recessive polycystic kidney disease. Last evaluated: 2025-02-17. Review status: criteria provided, single submitter. Criteria: Natera Variant Classification Schema (03/2026). Collection method: clinical testing. Allele origin: germline.
Comment: The c.1811dup variant in PKHD1 is a frameshift variant predicted to shift the reading frame beginning at codon 605 and leads to a stop codon 41 codons downstream. This variant is expected to result in nonsense mediated decay, truncation, or a dysfunctional protein product. This variant is rare in the general population with a frequency below the threshold expected for the associated phenotype(s). Given the available evidence, this variant is classified as Likely Pathogenic.

NM_138694.4(PKHD1):c.1811dup (p.Tyr605fs)

Gene: PKHD1 (PKHD1 ciliary IPT domain containing fibrocystin/polyductin; minus strand). Cytogenetic location: 6p12.2.
Variant type: Duplication.
Coding change: c.1811dup on transcript NM_138694.4 (MANE Select); coding-DNA position 1811, one base duplicated (G; older notation c.1811dupG).
Protein change: p.Tyr605fs; shifts the reading frame from tyrosine 605.
Molecular consequence: frameshift variant.
Genome position (GRCh38, 1-based): chr6:52,055,612, C duplicated on the plus strand (G on the coding strand, the reverse complement: PKHD1 is on the minus strand); the first of 3 consecutive C bases (chr6:52,055,612-52,055,614); duplicating any one gives the same sequence. VCF-style (leftmost placement, unchanged base first): chr6-52055611-G-GC. GRCh37 (hg19) VCF-style: chr6-51920409-G-GC.
Other names: c.1811dup, p.Tyr605fs (NM_170724.3); short protein forms Y605fs.
Identifiers: ClinVar variation 4060258 (VCV004060258.2).